The following is an entry in ClinVar:

NM_002579.3(PALM):c.808C>T (p.Arg270Trp)

Gene: PALM (paralemmin; plus strand). Cytogenetic location: 19p13.3.
Variant type: single nucleotide variant.
Coding change: c.808C>T on transcript NM_002579.3 (MANE Select); coding-DNA position 808, C replaced by T.
Protein change: p.Arg270Trp; replaces arginine 270 with tryptophan.
Molecular consequence: missense variant.
Genome position (GRCh38, 1-based): chr19:746,458, C>T. VCF-style: chr19-746458-C-T. GRCh37 (hg19) VCF-style: chr19-746458-C-T.
Other names: c.808C>T (NM_002579.2); c.676C>T, p.Arg226Trp (NM_001040134.2); short protein forms R226W, R270W.
Identifiers: ClinVar variation 3719528 (VCV003719528.3).
Genomic context (GRCh38, chr19:746,458, plus strand): 5'-ACGGCCGGGGCGGCAGAGACCCGGGGGGCTGTGGAGGGGGCAGCCCGGACCACGCCCTCC[C>T]GGCGGGAGATCACCGGTGTGCAGGCACAGCCAGGCGAGGCCACGTCCGGCCCGCCGGGGA-3'
Protein context (NP_002570.2, residues 260-280): VEGAARTTPS[Arg270Trp]REITGVQAQP

ClinVar aggregate classification (germline): Uncertain significance. Review status: criteria provided, multiple submitters, no conflicts (2 of 4 stars). 2 submissions from 2 submitters: Uncertain significance (2). Last evaluated 2025-04-13.

gnomAD v4.1: 80 of 1,609,092 alleles (0.005%); highest among the groups gnomAD compares: African/African-American, 0.0067%; no homozygotes.

Submissions (2):

Ambry Genetics
Classification: Uncertain significance. Last evaluated: 2025-04-13. Review status: criteria provided, single submitter. Criteria: Ambry Variant Classification Scheme 2023. Collection method: clinical testing. Allele origin: germline.

Labcorp Genetics (formerly Invitae), Labcorp
Classification: Uncertain significance. Last evaluated: 2025-01-21. Review status: criteria provided, single submitter. Criteria: Invitae Variant Classification Sherloc (09022015). Collection method: clinical testing. Allele origin: germline.
Comment: This sequence change replaces arginine, which is basic and polar, with tryptophan, which is neutral and slightly polar, at codon 270 of the PALM protein (p.Arg270Trp). This variant is present in population databases (rs779958491, gnomAD 0.009%). This variant has not been reported in the literature in individuals affected with PALM-related conditions. An algorithm developed to predict the effect of missense changes on protein structure and function (PolyPhen-2) suggests that this variant is likely to be disruptive. In summary, the available evidence is currently insufficient to determine the role of this variant in disease. Therefore, it has been classified as a Variant of Uncertain Significance.